The following is an entry in ClinVar:

ClinVar aggregate classification (germline): Benign (0 of 4 stars; one submission).

Conditions:
HIVEP3-related disorder. Also called: HIVEP3-related condition.

Allele frequency attached by ClinVar (database versions not stated): TOPMed 0.00014; gnomAD 0.00054; ExAC 0.00198; 1000 Genomes Project 30x 0.00453; 1000 Genomes Project 0.00559.
gnomAD v4.1: 1,281 of 1,614,114 alleles (0.079%); highest among the groups gnomAD compares: South Asian, 1.3%; 16 homozygotes.

Submission:

PreventionGenetics, part of Exact Sciences
Classification: Benign for HIVEP3-related condition. Last evaluated: 2019-10-28. Review status: no assertion criteria provided. Collection method: clinical testing. Allele origin: germline.
Comment: This variant is classified as benign based on ACMG/AMP sequence variant interpretation guidelines (Richards et al. 2015 PMID: 25741868, with internal and published modifications).

NM_024503.5(HIVEP3):c.1191C>T (p.Ser397=)

Gene: HIVEP3 (HIVEP zinc finger 3; minus strand). Cytogenetic location: 1p34.2.
Variant type: single nucleotide variant.
Coding change: c.1191C>T on transcript NM_024503.5 (MANE Select); coding-DNA position 1191, C replaced by T.
Protein change: p.Ser397=; no amino-acid change (serine 397 retained).
Molecular consequence: synonymous variant.
Genome position (GRCh38, 1-based): chr1:41,583,607, G>A on the plus strand (C>T on the coding strand, the complement: HIVEP3 is on the minus strand). VCF-style: chr1-41583607-G-A. GRCh37 (hg19) VCF-style: chr1-42049278-G-A.
Other names: c.1191C>T, p.Ser397= (NM_001127714.3).
Identifiers: ClinVar variation 3045390 (VCV003045390.2), dbSNP rs201683736, ClinGen allele CA798303.
Genomic context (GRCh38, chr1:41,583,607, plus strand): 5'-GATCTCAGCGTAGGACTTGGCGTTGGTGTTTGGGGGGCTGACCTGCTGCTCTGCACTCTC[G>A]GAGCGAGAGAAATACCCAGACTCAGTACTCCCTTTGCTGCCTGGGCTCAGAAACGCCTGC-3'
Protein context (NP_078779.2, residues 387-407): GSTESGYFSR[Ser397=]ESAEQQVSPP